The following is an entry in ClinVar:

NM_001276270.2(MBD4):c.1222A>C (p.Thr408Pro)

Gene: MBD4 (methyl-CpG binding domain 4, DNA glycosylase; minus strand). Cytogenetic location: 3q21.3.
Variant type: single nucleotide variant.
Coding change: c.1222A>C on transcript NM_001276270.2 (MANE Select); coding-DNA position 1222, A replaced by C.
Protein change: p.Thr408Pro; replaces threonine 408 with proline.
Molecular consequence: missense variant.
Genome position (GRCh38, 1-based): chr3:129,434,098, T>G on the plus strand (A>C on the coding strand, the complement: MBD4 is on the minus strand). VCF-style: chr3-129434098-T-G. GRCh37 (hg19) VCF-style: chr3-129152941-T-G.
Other names: c.1240A>C, p.Thr414Pro (NM_001276271.2, NM_001276272.2, NM_003925.3); c.286A>C, p.Thr96Pro (NM_001276273.2); short protein forms T414P, T408P, T96P.
Identifiers: ClinVar variation 3543776 (VCV003543776.1).

ClinVar aggregate classification (germline): Uncertain significance (1 of 4 stars; one submission).

Conditions:
Inborn genetic diseases. Identifiers: MedGen C0950123, MeSH D030342.

gnomAD v4.1: 2 of 1,614,112 alleles (0.00012%); highest among the groups gnomAD compares: Admixed American, 0.0017%; no homozygotes.

Submission:

Ambry Genetics
Classification: Uncertain significance for Inborn genetic diseases. Last evaluated: 2024-11-25. Review status: criteria provided, single submitter. Criteria: Ambry Variant Classification Scheme 2023. Collection method: clinical testing. Allele origin: germline.
Comment: The p.T408P variant (also known as c.1222A>C), located in coding exon 4 of the MBD4 gene, results from an A to C substitution at nucleotide position 1222. The threonine at codon 408 is replaced by proline, an amino acid with highly similar properties. This amino acid position is conserved. In addition, this alteration is predicted to be deleterious by in silico analysis. Based on the available evidence, the clinical significance of this variant remains unclear.